The following is an entry in ClinVar:

ClinVar aggregate classification (germline): Likely benign (1 of 4 stars; one submission).

Conditions:
CEP85L-related disorder. Also called: CEP85L-related condition.

gnomAD v4.1: 71 of 1,599,272 alleles (0.0044%); highest among the groups gnomAD compares: African/African-American, 0.09%; no homozygotes.

Submission:

PreventionGenetics, part of Exact Sciences
Classification: Likely benign for CEP85L-related condition. Last evaluated: 2026-01-30. Review status: criteria provided, single submitter. Criteria: ACMG Guidelines, 2015. Collection method: clinical testing. Allele origin: germline.
Comment: This variant is classified as likely benign based on ACMG/AMP sequence variant interpretation guidelines (Richards et al. 2015 PMID: 25741868, with internal and published modifications).

NM_001042475.3(CEP85L):c.1682A>T (p.Asp561Val)

Gene: CEP85L (centrosomal protein 85L; minus strand). Cytogenetic location: 6q22.31.
Variant type: single nucleotide variant.
Coding change: c.1682A>T on transcript NM_001042475.3 (MANE Select); coding-DNA position 1682, A replaced by T.
Protein change: p.Asp561Val; replaces aspartic acid 561 with valine.
Molecular consequence: missense variant.
Genome position (GRCh38, 1-based): chr6:118,481,842, T>A on the plus strand (A>T on the coding strand, the complement: CEP85L is on the minus strand). VCF-style: chr6-118481842-T-A. GRCh37 (hg19) VCF-style: chr6-118803005-T-A.
Other names: c.1691A>T, p.Asp564Val (NM_001178035.2); short protein forms D564V, D561V.
Identifiers: ClinVar variation 4978475 (VCV004978475.1).